The following is an entry in ClinVar:

NM_001348323.3(TRIP12):c.5617G>A (p.Gly1873Arg)

Gene: TRIP12 (thyroid hormone receptor interactor 12; minus strand). Cytogenetic location: 2q36.3.
Variant type: single nucleotide variant.
Coding change: c.5617G>A on transcript NM_001348323.3 (MANE Select); coding-DNA position 5617, G replaced by A.
Protein change: p.Gly1873Arg; replaces glycine 1873 with arginine.
Molecular consequence: missense variant.
Genome position (GRCh38, 1-based): chr2:229,774,174, C>T on the plus strand (G>A on the coding strand, the complement: TRIP12 is on the minus strand). VCF-style: chr2-229774174-C-T. GRCh37 (hg19) VCF-style: chr2-230638890-C-T.
Other names: c.5605G>A, p.Gly1869Arg (NM_001348321.1); c.5617G>A, p.Gly1873Arg (NM_001348322.1, NM_001348324.2, NM_001348325.2 and 2 more transcripts); c.5620G>A, p.Gly1874Arg (NM_001348328.1, NM_001348329.2, NM_001348330.2); c.5395G>A, p.Gly1799Arg (NM_001348331.1); c.5515G>A, p.Gly1839Arg (NM_001348332.1); c.5539G>A, p.Gly1847Arg (NM_001348333.1); c.5392G>A, p.Gly1798Arg (NM_004238.3); c.5536G>A, p.Gly1846Arg (NM_001284214.2, NM_001348315.2); and 4 more; short protein forms G1528R, G1798R, G1799R, G1826R, G1831R, G1839R, G1846R, G1847R.
Identifiers: ClinVar variation 4845256 (VCV004845256.1).
Genomic context (GRCh38, chr2:229,774,174, plus strand): 5'-AATTGTGGATAGTGACTGGTATATCCTTCCCTCCTTTCTTCAGTTCGATATTGGGAAACC[C>T]TGGCAGAGTGAAATCCAGTCCTAGATCTTCAACTGAGCAGCCATTCATAGTCAAGGTTTC-3'
Protein context (NP_001335252.1, residues 1863-1883): EDLGLDFTLP[Gly1873Arg]FPNIELKKGG

ClinVar aggregate classification (germline): Uncertain significance (0 of 4 stars; one submission).

Submission:

Diagnostics Centre, Carl Von Ossietzky University Oldenburg
Classification: Uncertain significance. Last evaluated: 2025-07-07. Review status: no assertion criteria provided. Collection method: clinical testing. Allele origin: germline. Affected: yes. Observed: 1 variant allele.
Comment: The variant TRIP12:c.5392G>A p.(Gly1798Arg), located in the exon 37 of the TRIP12 gene, results from a guanine-to-adenine substitution at nucleotide position c.5392. The glycine at protein position 1798 is replaced by an arginine. Missense variants in this gene or the affected region are a known disease mechanism and are rare in the general population. The affected protein region has significant levels of missense constrain. The affected position is located in the HECT functional domain of the protein. The variant was determined to be de novo. The variant has not yet been described in Clinvar or in any publications known to us. The variant is classified as very rare since it is absent in gnomAD v4.1.0. In summary, this variant is classified as variant of uncertain significance.